The following is an entry in ClinVar:

ClinVar aggregate classification (germline): Pathogenic/Likely pathogenic. Review status: criteria provided, multiple submitters, no conflicts (2 of 4 stars). 3 submissions from 3 submitters: Pathogenic (2); Likely pathogenic (1). Last evaluated 2024-06-25.

Conditions:
Merosin deficient congenital muscular dystrophy (MDC1A). Also called: Congenital merosin-deficient muscular dystrophy 1A; Congenital Muscular Dystrophy Type 1A (MDC1A). Identifiers: Orphanet 258, MedGen C1263858, MONDO:0011925, OMIM 607855.
Muscular dystrophy, limb-girdle, autosomal recessive 23. Identifiers: Orphanet 565837, MedGen C4748327, MONDO:0029136, OMIM 618138.
LAMA2-related muscular dystrophy (LAMA2-RD). Also called: Laminin alpha 2-related dystrophy. Identifiers: MedGen C5679788, MONDO:0100228.

Submissions (3):

Fulgent Genetics
Classification: Likely pathogenic for Merosin deficient congenital muscular dystrophy; Muscular dystrophy, limb-girdle, autosomal recessive 23. Last evaluated: 2024-06-25. Review status: criteria provided, single submitter. Criteria: ACMG Guidelines, 2015. Collection method: clinical testing. Allele origin: germline.

Myriad Genetics, Inc.
Classification: Pathogenic for LAMA2-related muscular dystrophy. Last evaluated: 2024-05-08. Review status: criteria provided, single submitter. Criteria: Myriad Autosomal Dominant, Autosomal Recessive and X-Linked Classification Criteria (2023). Collection method: clinical testing. Allele origin: unknown.
Comment: NM_000426.3(LAMA2):c.5910T>A(C1970*) is expected to be pathogenic in the context of muscular dystrophy, LAMA2-related. This variant is predicted to lead to an abnormal or absent protein product due to the creation of a premature termination codon in LAMA2, a gene where loss-of-function variants are known to be pathogenic. Please note: this variant was assessed in the context of healthy population screening.

Labcorp Genetics (formerly Invitae), Labcorp
Classification: Pathogenic for LAMA2-related muscular dystrophy. Last evaluated: 2020-10-06. Review status: criteria provided, single submitter. Criteria: Invitae Variant Classification Sherloc (09022015). Collection method: clinical testing. Allele origin: germline.
Comment: This sequence change creates a premature translational stop signal (p.Cys1970*) in the LAMA2 gene. It is expected to result in an absent or disrupted protein product. This variant is not present in population databases (ExAC no frequency). This variant has not been reported in the literature in individuals with LAMA2-related conditions. ClinVar contains an entry for this variant (Variation ID: 944553). Loss-of-function variants in LAMA2 are known to be pathogenic (PMID: 18700894). For these reasons, this variant has been classified as Pathogenic.

Literature cited by the submitters: PubMed 18700894 (cited by Labcorp Genetics (formerly Invitae), Labcorp).

NM_000426.4(LAMA2):c.5910T>A (p.Cys1970Ter)

Gene: LAMA2 (laminin subunit alpha 2; plus strand). Cytogenetic location: 6q22.33.
Variant type: single nucleotide variant.
Coding change: c.5910T>A on transcript NM_000426.4 (MANE Select); coding-DNA position 5910, T replaced by A.
Protein change: p.Cys1970Ter; replaces cysteine 1970 with a stop codon.
Molecular consequence: nonsense.
Genome position (GRCh38, 1-based): chr6:129,427,796, T>A. VCF-style: chr6-129427796-T-A. GRCh37 (hg19) VCF-style: chr6-129748941-T-A.
Other names: c.5910T>A, p.Cys1970Ter (NM_001079823.2); short protein forms C1970*.
Identifiers: ClinVar variation 944553 (VCV000944553.10), dbSNP rs1781395670, ClinGen allele CA365623955.